The following is an entry in ClinVar:

NM_003242.6(TGFBR2):c.550A>G (p.Ile184Val)

Gene: TGFBR2 (transforming growth factor beta receptor 2; plus strand). Cytogenetic location: 3p24.1.
Variant type: single nucleotide variant.
Coding change: c.550A>G on transcript NM_003242.6 (MANE Select); coding-DNA position 550, A replaced by G.
Protein change: p.Ile184Val; replaces isoleucine 184 with valine.
Molecular consequence: missense variant.
Genome position (GRCh38, 1-based): chr3:30,671,733, A>G. VCF-style: chr3-30671733-A-G. GRCh37 (hg19) VCF-style: chr3-30713225-A-G.
Other names: c.577A>G, p.Ile193Val (NM_001407128.1); c.553A>G, p.Ile185Val (NM_001407129.1); c.550A>G, p.Ile184Val (NM_001407130.1); c.445A>G, p.Ile149Val (NM_001407132.1, NM_001407133.1, NM_001407134.1 and 2 more transcripts); c.265A>G, p.Ile89Val (NM_001407137.1); c.190A>G, p.Ile64Val (NM_001407138.1); c.625A>G, p.Ile209Val (NM_001024847.3); c.733A>G, p.Ile245Val (NM_001407126.1); and 1 more; short protein forms I184V, I209V, I89V, I149V, I220V, I245V, I185V, I193V.
Identifiers: ClinVar variation 918970 (VCV000918970.13), dbSNP rs1371905176, ClinGen allele CA351807344.
Genomic context (GRCh38, chr3:30,671,733, plus strand): 5'-ATATTTCAAGTGACAGGCATCAGCCTCCTGCCACCACTGGGAGTTGCCATATCTGTCATC[A>G]TCATCTTCTACTGCTACCGCGTTAACCGGCAGCAGAAGCTGAGTTCAACCTGGGAAACCG-3'
Protein context (NP_003233.4, residues 174-194): PPLGVAISVI[Ile184Val]IFYCYRVNRQ

ClinVar aggregate classification (germline): Conflicting classifications of pathogenicity. Review status: criteria provided, conflicting classifications (1 of 4 stars). 3 submissions from 3 submitters: Uncertain significance (1); Likely benign (2). Last evaluated 2024-09-12.

Conditions:
Familial thoracic aortic aneurysm and aortic dissection (TAAD). Also called: Thoracic aortic aneurysms and dissections. Identifiers: Orphanet 91387, MedGen C4707243, MONDO:0019625.
Loeys-Dietz syndrome 2 (LDS2). Also called: TGFBR2-Related Loeys-Dietz Syndrome; AORTIC ANEURYSM, FAMILIAL THORACIC 3; MARFAN SYNDROME, TYPE II; Marfan Syndrome type 2; Marfan like connective tissue disorder; MFS 2. Identifiers: Orphanet 284973, Orphanet 558, MedGen C2674574, MONDO:0012427, OMIM 610168.

Submissions (3):

Color Diagnostics, LLC DBA Color Health
Classification: Likely benign for Familial thoracic aortic aneurysm and aortic dissection. Last evaluated: 2024-09-12. Review status: criteria provided, single submitter. Criteria: ACMG Guidelines, 2015. Collection method: clinical testing. Allele origin: germline.

All of Us Research Program, National Institutes of Health
Classification: Likely benign for Loeys-Dietz syndrome 2. Last evaluated: 2024-02-05. Review status: criteria provided, single submitter. Criteria: ACMG Guidelines, 2015. Collection method: clinical testing. Allele origin: germline. Inheritance: Autosomal dominant inheritance. Observed: 3 variant alleles, 3 heterozygotes.
Comment: This study involves interpretation of variants in research participants for the purpose of population health screening. Participant phenotype was not available at the time of variant classification. Additional details can be found in publication PMID: 35346344, PMCID: PMC8962531

Labcorp Genetics (formerly Invitae), Labcorp
Classification: Uncertain significance for Familial thoracic aortic aneurysm and aortic dissection. Last evaluated: 2023-12-25. Review status: criteria provided, single submitter. Criteria: Invitae Variant Classification Sherloc (09022015). Collection method: clinical testing. Allele origin: germline.
Comment: This sequence change replaces isoleucine, which is neutral and non-polar, with valine, which is neutral and non-polar, at codon 184 of the TGFBR2 protein (p.Ile184Val). This variant is not present in population databases (gnomAD no frequency). This variant has not been reported in the literature in individuals affected with TGFBR2-related conditions. ClinVar contains an entry for this variant (Variation ID: 918970). Advanced modeling of protein sequence and biophysical properties (such as structural, functional, and spatial information, amino acid conservation, physicochemical variation, residue mobility, and thermodynamic stability) performed at Invitae indicates that this missense variant is not expected to disrupt TGFBR2 protein function with a negative predictive value of 95%. In summary, the available evidence is currently insufficient to determine the role of this variant in disease. Therefore, it has been classified as a Variant of Uncertain Significance.